The following is an entry in ClinVar:

NM_032043.3(BRIP1):c.1327T>C (p.Cys443Arg)

Gene: BRIP1 (BRCA1 interacting DNA helicase 1; minus strand). Cytogenetic location: 17q23.2.
Variant type: single nucleotide variant.
Coding change: c.1327T>C on transcript NM_032043.3 (MANE Select); coding-DNA position 1327, T replaced by C.
Protein change: p.Cys443Arg; replaces cysteine 443 with arginine.
Molecular consequence: missense variant.
Genome position (GRCh38, 1-based): chr17:61,799,113, A>G on the plus strand (T>C on the coding strand, the complement: BRIP1 is on the minus strand). VCF-style: chr17-61799113-A-G. GRCh37 (hg19) VCF-style: chr17-59876474-A-G.
Other names: short protein forms C443R.
Identifiers: ClinVar variation 2945346 (VCV002945346.3), dbSNP rs2145300006, ClinGen allele CA400483364.

ClinVar aggregate classification (germline): Uncertain significance (1 of 4 stars; one submission).

Conditions:
Fanconi anemia complementation group J. Also called: BRIP1-Related Fanconi Anemia. Identifiers: Orphanet 84, MedGen C1836860, MONDO:0012187, OMIM 609054.
Familial cancer of breast. Also called: BREAST CANCER, FAMILIAL; Hereditary breast cancer; hereditary breast carcinoma. Identifiers: Orphanet 227535, MedGen C0346153, MONDO:0016419, OMIM 114480. Disease mechanism: loss of function.

Submission:

Labcorp Genetics (formerly Invitae), Labcorp
Classification: Uncertain significance for Familial cancer of breast; Fanconi anemia complementation group J. Last evaluated: 2025-05-05. Review status: criteria provided, single submitter. Criteria: Invitae Variant Classification Sherloc (09022015). Collection method: clinical testing. Allele origin: germline.
Comment: This sequence change replaces cysteine, which is neutral and slightly polar, with arginine, which is basic and polar, at codon 443 of the BRIP1 protein (p.Cys443Arg). This variant is not present in population databases (gnomAD no frequency). This variant has not been reported in the literature in individuals affected with BRIP1-related conditions. ClinVar contains an entry for this variant (Variation ID: 2945346). Invitae Evidence Modeling of protein sequence and biophysical properties (such as structural, functional, and spatial information, amino acid conservation, physicochemical variation, residue mobility, and thermodynamic stability) indicates that this missense variant is not expected to disrupt BRIP1 protein function with a negative predictive value of 95%. In summary, the available evidence is currently insufficient to determine the role of this variant in disease. Therefore, it has been classified as a Variant of Uncertain Significance.